The following is an entry in ClinVar:

NM_020971.3(SPTBN4):c.7678A>G (p.Ser2560Gly)

Gene: SPTBN4 (spectrin beta, non-erythrocytic 4; plus strand). Cytogenetic location: 19q13.2.
Variant type: single nucleotide variant.
Coding change: c.7678A>G on transcript NM_020971.3 (MANE Select); coding-DNA position 7678, A replaced by G.
Protein change: p.Ser2560Gly; replaces serine 2560 with glycine.
Molecular consequence: missense variant.
Genome position (GRCh38, 1-based): chr19:40,575,552, A>G. VCF-style: chr19-40575552-A-G. GRCh37 (hg19) VCF-style: chr19-41081458-A-G.
Other names: short protein forms S2560G.
Identifiers: ClinVar variation 3357982 (VCV003357982.1).

ClinVar aggregate classification (germline): Uncertain significance (0 of 4 stars; one submission).

Conditions:
SPTBN4-related disorder. Also called: SPTBN4-related condition.

gnomAD v4.1: 12 of 1,610,896 alleles (0.00074%); highest among the groups gnomAD compares: Admixed American, 0.02%; no homozygotes.

Submission:

PreventionGenetics, part of Exact Sciences
Classification: Uncertain significance for SPTBN4-related condition. Last evaluated: 2024-06-23. Review status: no assertion criteria provided. Collection method: clinical testing. Allele origin: germline.
Comment: The SPTBN4 c.7678A>G variant is predicted to result in the amino acid substitution p.Ser2560Gly. To our knowledge, this variant has not been reported in the literature. This variant is reported in 0.032% of alleles in individuals of Latino descent in gnomAD. At this time, the clinical significance of this variant is uncertain due to the absence of conclusive functional and genetic evidence.